The following is an entry in ClinVar:

NM_052854.4(CREB3L1):c.943G>A (p.Val315Met)

Gene: CREB3L1 (cAMP responsive element binding protein 3 like 1; plus strand). Cytogenetic location: 11p11.2.
Variant type: single nucleotide variant.
Coding change: c.943G>A on transcript NM_052854.4 (MANE Select); coding-DNA position 943, G replaced by A.
Protein change: p.Val315Met; replaces valine 315 with methionine.
Molecular consequence: missense variant.
Genome position (GRCh38, 1-based): chr11:46,312,651, G>A. VCF-style: chr11-46312651-G-A. GRCh37 (hg19) VCF-style: chr11-46334202-G-A.
Other names: short protein forms V315M.
Identifiers: ClinVar variation 1934238 (VCV001934238.5), dbSNP rs901970546, ClinGen allele CA221599010.
Genomic context (GRCh38, chr11:46,312,651, plus strand): 5'-TTTTCGGGCCTCCCCCTCTAGATCTCAGCCCAGGAGAGCCGTCGTAAGAAGAAGGAGTAT[G>A]TGGAGTGTCTAGAAAAGAAGTAAGGGGCTTGGGAGGGGTGGGCAATCCACTCCCTTGCCT-3'
Protein context (NP_443086.1, residues 305-325): QESRRKKKEY[Val315Met]ECLEKKVETF

ClinVar aggregate classification (germline): Uncertain significance (1 of 4 stars; one submission).

Allele frequency attached by ClinVar (database versions not stated): gnomAD exomes below 0.00001; gnomAD 0.00001; TOPMed 0.00001.
gnomAD v4.1: 4 of 1,610,952 alleles (0.00025%); highest among the groups gnomAD compares: African/African-American, 0.0027%; no homozygotes.

Submission:

Labcorp Genetics (formerly Invitae), Labcorp
Classification: Uncertain significance. Last evaluated: 2023-12-06. Review status: criteria provided, single submitter. Criteria: Invitae Variant Classification Sherloc (09022015). Collection method: clinical testing. Allele origin: germline.
Comment: This sequence change replaces valine, which is neutral and non-polar, with methionine, which is neutral and non-polar, at codon 315 of the CREB3L1 protein (p.Val315Met). The frequency data for this variant in the population databases is considered unreliable, as metrics indicate poor data quality at this position in the gnomAD database. This variant has not been reported in the literature in individuals affected with CREB3L1-related conditions. ClinVar contains an entry for this variant (Variation ID: 1934238). An algorithm developed to predict the effect of missense changes on protein structure and function (PolyPhen-2) suggests that this variant is likely to be disruptive. In summary, the available evidence is currently insufficient to determine the role of this variant in disease. Therefore, it has been classified as a Variant of Uncertain Significance.